The following is an entry in ClinVar:

NM_000455.5(STK11):c.724G>A (p.Gly242Arg)

Gene: STK11 (serine/threonine kinase 11; plus strand). Cytogenetic location: 19p13.3.
Variant type: single nucleotide variant.
Coding change: c.724G>A on transcript NM_000455.5 (MANE Select); coding-DNA position 724, G replaced by A.
Protein change: p.Gly242Arg; replaces glycine 242 with arginine.
Molecular consequence: missense variant.
Genome position (GRCh38, 1-based): chr19:1,220,707, G>A. VCF-style: chr19-1220707-G-A. GRCh37 (hg19) VCF-style: chr19-1220706-G-A.
Other names: short protein forms G242R.
Identifiers: ClinVar variation 569540 (VCV000569540.8), dbSNP rs878853992, ClinGen allele CA402949962.
Genomic context (GRCh38, chr19:1,220,707, plus strand): 5'-CCCGAGATTGCCAACGGCCTGGACACCTTCTCCGGCTTCAAGGTGGACATCTGGTCGGCT[G>A]GGGTCACCCTGTAAGTGCCCCGCCCCCCCGGGCACTCACCACACGCACACTCCGAGGGGC-3'
Protein context (NP_000446.1, residues 232-252): SGFKVDIWSA[Gly242Arg]VTLYNITTGL

ClinVar aggregate classification (germline): Pathogenic (1 of 4 stars; one submission).

Conditions:
Peutz-Jeghers syndrome (PJS). Also called: Peutz-Jeghers polyposis; Periorificial lentiginosis syndrome; POLYPOSIS, HAMARTOMATOUS INTESTINAL; POLYPS-AND-SPOTS SYNDROME. Identifiers: Orphanet 2869, MedGen C0031269, MeSH D010580, MONDO:0008280, OMIM 175200.

Submission:

Labcorp Genetics (formerly Invitae), Labcorp
Classification: Pathogenic for Peutz-Jeghers syndrome. Last evaluated: 2024-05-11. Review status: criteria provided, single submitter. Criteria: Invitae Variant Classification Sherloc (09022015). Collection method: clinical testing. Allele origin: germline.
Comment: This sequence change replaces glycine, which is neutral and non-polar, with arginine, which is basic and polar, at codon 242 of the STK11 protein (p.Gly242Arg). This variant is not present in population databases (gnomAD no frequency). This missense change has been observed in individuals with Peutz-Jeghers syndrome (PMID: 31515776; Invitae). ClinVar contains an entry for this variant (Variation ID: 569540). Advanced modeling of protein sequence and biophysical properties (such as structural, functional, and spatial information, amino acid conservation, physicochemical variation, residue mobility, and thermodynamic stability) performed at Invitae indicates that this missense variant is expected to disrupt STK11 protein function with a positive predictive value of 95%. This variant disrupts the p.Gly242 amino acid residue in STK11. Other variant(s) that disrupt this residue have been observed in individuals with STK11-related conditions (PMID: 11389158, 16707622, 31515776), which suggests that this may be a clinically significant amino acid residue. For these reasons, this variant has been classified as Pathogenic.

Literature cited by the submitters: PubMed 31515776; PubMed 11389158; PubMed 16707622.